The following is an entry in ClinVar:

ClinVar aggregate classification (germline): Uncertain significance (1 of 4 stars; one submission).

Submission:

Labcorp Genetics (formerly Invitae), Labcorp
Classification: Uncertain significance. Last evaluated: 2024-08-17. Review status: criteria provided, single submitter. Criteria: Invitae Variant Classification Sherloc (09022015). Collection method: clinical testing. Allele origin: germline.
Comment: This sequence change replaces glutamic acid, which is acidic and polar, with aspartic acid, which is acidic and polar, at codon 177 of the POC5 protein (p.Glu177Asp). This variant is not present in population databases (gnomAD no frequency). This variant has not been reported in the literature in individuals affected with POC5-related conditions. An algorithm developed to predict the effect of missense changes on protein structure and function (PolyPhen-2) suggests that this variant is likely to be tolerated. In summary, the available evidence is currently insufficient to determine the role of this variant in disease. Therefore, it has been classified as a Variant of Uncertain Significance.

NM_001099271.2(POC5):c.531A>C (p.Glu177Asp)

Gene: POC5 (POC5 centriolar protein; minus strand). Cytogenetic location: 5q13.3.
Variant type: single nucleotide variant.
Coding change: c.531A>C on transcript NM_001099271.2 (MANE Select); coding-DNA position 531, A replaced by C.
Protein change: p.Glu177Asp; replaces glutamic acid 177 with aspartic acid.
Molecular consequence: missense variant.
Genome position (GRCh38, 1-based): chr5:75,694,814, T>G on the plus strand (A>C on the coding strand, the complement: POC5 is on the minus strand). VCF-style: chr5-75694814-T-G. GRCh37 (hg19) VCF-style: chr5-74990639-T-G.
Other names: c.456A>C, p.Glu152Asp (NM_152408.3); short protein forms E177D, E152D.
Identifiers: ClinVar variation 3662696 (VCV003662696.2).
Genomic context (GRCh38, chr5:75,694,814, plus strand): 5'-TTTCTCTTTTCTCATTTCCATTCGGTGCCAGTCAATAAAATTAAGTCTCCATTTACTTAG[T>G]TCAGATATGATGTTTGTCTGAAAAATTAATATAGTGACAATTAAGTAGTTTGTTCGTTAA-3'
Protein context (NP_001092741.1, residues 167-187): SSGLKTNIIS[Glu177Asp]LSKWRLNFID